The following is an entry in ClinVar:

NM_000138.5(FBN1):c.5185T>C (p.Trp1729Arg)

Gene: FBN1 (fibrillin 1; minus strand). Cytogenetic location: 15q21.1.
Variant type: single nucleotide variant.
Coding change: c.5185T>C on transcript NM_000138.5 (MANE Select); coding-DNA position 5185, T replaced by C.
Protein change: p.Trp1729Arg; replaces tryptophan 1729 with arginine.
Molecular consequence: missense variant.
Genome position (GRCh38, 1-based): chr15:48,463,121, A>G on the plus strand (T>C on the coding strand, the complement: FBN1 is on the minus strand). VCF-style: chr15-48463121-A-G. GRCh37 (hg19) VCF-style: chr15-48755318-A-G.
Other names: short protein forms W1729R.
Identifiers: ClinVar variation 495616 (VCV000495616.3), dbSNP rs1555396762, ClinGen allele CA392349117.

ClinVar aggregate classification (germline): Uncertain significance. Review status: criteria provided, multiple submitters, no conflicts (2 of 4 stars). 2 submissions from 2 submitters: Uncertain significance (2). Last evaluated 2021-01-05.

Submissions (2):

GeneDx
Classification: Uncertain significance. Last evaluated: 2021-01-05. Review status: criteria provided, single submitter. Criteria: GeneDx Variant Classification Process June 2021. Collection method: clinical testing. Allele origin: germline. Affected: yes.
Comment: Has not been previously published as pathogenic or benign to our knowledge; Not observed in large population cohorts (Lek et al., 2016); In silico analysis supports that this missense variant has a deleterious effect on protein structure/function; Does not affect a cysteine residue within a calcium-binding EGF-like domain of the FBN1 gene; cysteine substitutions in the calcium-binding EGF-like domains represent the majority of pathogenic missense changes associated with FBN1-related disorders (Collod-Beroud et al., 2003).; Reported in ClinVar as a variant of uncertain significance (ClinVar Variant ID# 495616; Landrum et al., 2016)

Women's Health and Genetics/Laboratory Corporation of America, LabCorp
Classification: Uncertain significance. Last evaluated: 2016-08-26. Review status: criteria provided, single submitter. Criteria: LabCorp Variant Classification Summary - May 2015. Collection method: clinical testing. Allele origin: germline.
Comment: Variant summary: The FBN1 c.5185T>C (p.Trp1729Arg) variant involves the alteration of a conserved nucleotide. 4/4 in silico tools predict a damaging outcome for this variant (SNPs&GO not captured due to low reliability index). This variant is absent in 121394 control chromosomes. The variant of interest has not, to our knowledge, been reported in affected individuals via publications and/or reputable databases/clinical diagnostic laboratories; nor evaluated for functional impact by in vivo/vitro studies. Because of the absence of clinical information and the lack of functional studies, the variant is classified as a variant of uncertain significance (VUS) until additional information becomes available.